The following is an entry in ClinVar:

NM_004565.3(PEX14):c.991G>A (p.Asp331Asn)

Gene: PEX14 (peroxisomal biogenesis factor 14; plus strand). Cytogenetic location: 1p36.22.
Variant type: single nucleotide variant.
Coding change: c.991G>A on transcript NM_004565.3 (MANE Select); coding-DNA position 991, G replaced by A.
Protein change: p.Asp331Asn; replaces aspartic acid 331 with asparagine.
Molecular consequence: missense variant.
Genome position (GRCh38, 1-based): chr1:10,629,844, G>A. VCF-style: chr1-10629844-G-A. GRCh37 (hg19) VCF-style: chr1-10689901-G-A.
Other names: short protein forms D331N.
Identifiers: ClinVar variation 4711613 (VCV004711613.1).

ClinVar aggregate classification (germline): Uncertain significance (1 of 4 stars; one submission).

Conditions:
Peroxisome biogenesis disorder, complementation group K (CGK). Identifiers: MedGen C1866257, MONDO:0800365.

Submission:

Labcorp Genetics (formerly Invitae), Labcorp
Classification: Uncertain significance for Peroxisome biogenesis disorder, complementation group K. Last evaluated: 2025-12-15. Review status: criteria provided, single submitter. Criteria: Invitae Variant Classification Sherloc (09022015). Collection method: clinical testing. Allele origin: germline.
Comment: This sequence change replaces aspartic acid, which is acidic and polar, with asparagine, which is neutral and polar, at codon 331 of the PEX14 protein (p.Asp331Asn). This variant is not present in population databases (gnomAD no frequency). This variant has not been reported in the literature in individuals affected with PEX14-related conditions. Invitae Evidence Modeling of protein sequence and biophysical properties (such as structural, functional, and spatial information, amino acid conservation, physicochemical variation, residue mobility, and thermodynamic stability) indicates that this missense variant is not expected to disrupt PEX14 protein function with a negative predictive value of 80%. In summary, the available evidence is currently insufficient to determine the role of this variant in disease. Therefore, it has been classified as a Variant of Uncertain Significance.